The following is an entry in ClinVar:

NM_015450.3(POT1):c.77A>C (p.Tyr26Ser)

Gene: POT1 (protection of telomeres 1; minus strand). Cytogenetic location: 7q31.33.
Variant type: single nucleotide variant.
Coding change: c.77A>C on transcript NM_015450.3 (MANE Select); coding-DNA position 77, A replaced by C.
Protein change: p.Tyr26Ser; replaces tyrosine 26 with serine.
Molecular consequence: missense variant. On other transcripts: 5 prime UTR variant (1), non-coding transcript variant (3).
Genome position (GRCh38, 1-based): chr7:124,892,313, T>G on the plus strand (A>C on the coding strand, the complement: POT1 is on the minus strand). VCF-style: chr7-124892313-T-G. GRCh37 (hg19) VCF-style: chr7-124532367-T-G.
Other names: c.-186A>C (NM_001042594.2); short protein forms Y26S.
Identifiers: ClinVar variation 4740373 (VCV004740373.1).

ClinVar aggregate classification (germline): Uncertain significance (1 of 4 stars; one submission).

Conditions:
Tumor predisposition syndrome 3 (TPDS3). Also called: Melanoma, cutaneous malignant, susceptibility to, 10; Glioma susceptibility 9; LONG TELOMERE SYNDROME, POT1-RELATED; POT1 Tumor Predisposition. Identifiers: Orphanet 618, MedGen C4014476, MONDO:0014368, OMIM 615848.

Submission:

Labcorp Genetics (formerly Invitae), Labcorp
Classification: Uncertain significance for Tumor predisposition syndrome 3. Last evaluated: 2025-02-28. Review status: criteria provided, single submitter. Criteria: Invitae Variant Classification Sherloc (09022015). Collection method: clinical testing. Allele origin: germline.
Comment: This sequence change replaces tyrosine, which is neutral and polar, with serine, which is neutral and polar, at codon 26 of the POT1 protein (p.Tyr26Ser). This variant is not present in population databases (gnomAD no frequency). This variant has not been reported in the literature in individuals affected with POT1-related conditions. Invitae Evidence Modeling of protein sequence and biophysical properties (such as structural, functional, and spatial information, amino acid conservation, physicochemical variation, residue mobility, and thermodynamic stability) indicates that this missense variant is not expected to disrupt POT1 protein function with a negative predictive value of 80%. In summary, the available evidence is currently insufficient to determine the role of this variant in disease. Therefore, it has been classified as a Variant of Uncertain Significance.